The following is an entry in ClinVar:

ClinVar aggregate classification (germline): Uncertain significance (1 of 4 stars; one submission).

Conditions:
PLXNA1-related disorder. Also called: PLXNA1-related condition.

gnomAD v4.1: 6 of 1,612,282 alleles (0.00037%); highest among the groups gnomAD compares: Non-Finnish European, 0.00051%; no homozygotes.

Submission:

PreventionGenetics, part of Exact Sciences
Classification: Uncertain significance for PLXNA1-related condition. Last evaluated: 2024-10-11. Review status: criteria provided, single submitter. Criteria: ACMG Guidelines, 2015. Collection method: clinical testing. Allele origin: germline.
Comment: The PLXNA1 c.1468C>A variant is predicted to result in the amino acid substitution p.Leu490Ile. To our knowledge, this variant has not been reported in the literature. This variant is reported in 0.0031% of alleles in individuals of European (Non-Finnish) descent in gnomAD. At this time, the clinical significance of this variant is uncertain due to the absence of conclusive functional and genetic evidence.

NM_032242.4(PLXNA1):c.1468C>A (p.Leu490Ile)

Gene: PLXNA1 (plexin A1; plus strand). Cytogenetic location: 3q21.3.
Variant type: single nucleotide variant.
Coding change: c.1468C>A on transcript NM_032242.4 (MANE Select); coding-DNA position 1468, C replaced by A.
Protein change: p.Leu490Ile; replaces leucine 490 with isoleucine.
Molecular consequence: missense variant.
Genome position (GRCh38, 1-based): chr3:127,003,420, C>A. VCF-style: chr3-127003420-C-A. GRCh37 (hg19) VCF-style: chr3-126722263-C-A.
Other names: short protein forms L490I.
Identifiers: ClinVar variation 4982594 (VCV004982594.1).